The following is an entry in ClinVar:

ClinVar aggregate classification (germline): Pathogenic (1 of 4 stars; one submission).

Conditions:
Fanconi anemia complementation group O. Also called: RAD51C-Related Fanconi Anemia. Identifiers: Orphanet 84, MedGen C3150653, MONDO:0013248, OMIM 613390.

Submission:

Labcorp Genetics (formerly Invitae), Labcorp
Classification: Pathogenic for Fanconi anemia complementation group O. Last evaluated: 2022-10-10. Review status: criteria provided, single submitter. Criteria: Invitae Variant Classification Sherloc (09022015). Collection method: clinical testing. Allele origin: germline.
Comment: This variant is a gross deletion of the genomic region encompassing exon(s) 6-9 of the RAD51C gene, which includes the termination codon. This deletion extends beyond the assayed region for this gene and therefore may encompass additional genes. While this deletion is not anticipated to lead to nonsense mediated decay, it is expected to alter mRNA translation or result in a truncated protein product. This variant has not been reported in the literature in individuals affected with RAD51C-related conditions. This variant disrupts a region of the RAD51C protein in which other variant(s) (Deletion (Exon 8)) have been determined to be pathogenic (PMID: 12966089). This suggests that this is a clinically significant region of the protein, and that variants that disrupt it are likely to be disease-causing. For these reasons, this variant has been classified as Pathogenic.

Literature cited by the submitters: PubMed 12966089.

NC_000017.11:g.(?_58720736)_(58734222_?)del

Gene: RAD51C (RAD51 paralog C; plus strand). Cytogenetic location: 17q22.
Variant type: Deletion.
Identifiers: ClinVar variation 832995 (VCV000832995.2).